The following is an entry in ClinVar:

ClinVar aggregate classification (germline): Benign (1 of 4 stars; one submission).

Allele frequency attached by ClinVar (database versions not stated): 1000 Genomes Project 30x 0.80200; 1000 Genomes Project 0.80451; TOPMed 0.75969.
gnomAD v4.1: 113,238 of 152,154 alleles (74%); highest among the groups gnomAD compares: African/African-American, 86%; 42,733 homozygotes.

Submission:

GeneDx
Classification: Benign. Last evaluated: 2018-06-14. Review status: criteria provided, single submitter. Criteria: GeneDx Variant Classification (06012015). Collection method: clinical testing. Allele origin: germline. Affected: yes.
Comment: This variant is considered likely benign or benign based on one or more of the following criteria: it is a conservative change, it occurs at a poorly conserved position in the protein, it is predicted to be benign by multiple in silico algorithms, and/or has population frequency not consistent with disease.

NM_032119.4(ADGRV1):c.558+295G>C

Gene: ADGRV1 (adhesion G protein-coupled receptor V1; plus strand). Cytogenetic location: 5q14.3.
Variant type: single nucleotide variant.
Coding change: c.558+295G>C on transcript NM_032119.4 (MANE Select); 295 bases into the intron after coding-DNA position 558, G replaced by C.
Molecular consequence: intron variant.
Genome position (GRCh38, 1-based): chr5:90,622,996, G>C. VCF-style: chr5-90622996-G-C. GRCh37 (hg19) VCF-style: chr5-89918813-G-C.
Identifiers: ClinVar variation 670346 (VCV000670346.1), dbSNP rs6870337, ClinGen allele CA11936529.
Genomic context (GRCh38, chr5:90,622,996, plus strand): 5'-TCACCATGTTGGCCAGGCTGGTCTTGAACTCCTGGCCTCAGGTGATCCGCCCGCCTTGGC[G>C]TCCCAAAGTGCTGGGGTTACAGGCGTGAGCCACTGCACCCGGCCCTGAAATCACTTTAAA-3'